The following is an entry in ClinVar:

NM_152383.5(DIS3L2):c.1408C>G (p.Leu470Val)

Gene: DIS3L2 (DIS3 like 3'-5' exoribonuclease 2; plus strand). Cytogenetic location: 2q37.1.
Variant type: single nucleotide variant.
Coding change: c.1408C>G on transcript NM_152383.5 (MANE Select); coding-DNA position 1408, C replaced by G.
Protein change: p.Leu470Val; replaces leucine 470 with valine.
Molecular consequence: missense variant. On other transcripts: non-coding transcript variant (2).
Genome position (GRCh38, 1-based): chr2:232,249,329, C>G. VCF-style: chr2-232249329-C-G. GRCh37 (hg19) VCF-style: chr2-233114039-C-G.
Other names: c.1408C>G, p.Leu470Val (NM_001257281.2); short protein forms L470V.
Identifiers: ClinVar variation 638966 (VCV000638966.11), dbSNP rs1226156033, ClinGen allele CA351155541.

ClinVar aggregate classification (germline): Uncertain significance. Review status: criteria provided, multiple submitters, no conflicts (2 of 4 stars). 2 submissions from 2 submitters: Uncertain significance (2). Last evaluated 2025-07-14.

Conditions:
Perlman syndrome (PRLMNS). Identifiers: Orphanet 2849, MedGen C0796113, MONDO:0009965, OMIM 267000.

Allele frequency attached by ClinVar (database versions not stated): TOPMed below 0.00001; gnomAD 0.00001.
gnomAD v4.1: 1 of 1,614,128 alleles (0.000062%); highest among the groups gnomAD compares: Non-Finnish European, 0.000085%; no homozygotes.

Submissions (2):

Labcorp Genetics (formerly Invitae), Labcorp
Classification: Uncertain significance for Perlman syndrome. Last evaluated: 2025-07-14. Review status: criteria provided, single submitter. Criteria: Invitae Variant Classification Sherloc (09022015). Collection method: clinical testing. Allele origin: germline.
Comment: This sequence change replaces leucine, which is neutral and non-polar, with valine, which is neutral and non-polar, at codon 470 of the DIS3L2 protein (p.Leu470Val). This variant is present in population databases (no rsID available, gnomAD 0.007%). This variant has not been reported in the literature in individuals affected with DIS3L2-related conditions. ClinVar contains an entry for this variant (Variation ID: 638966). Invitae Evidence Modeling of protein sequence and biophysical properties (such as structural, functional, and spatial information, amino acid conservation, physicochemical variation, residue mobility, and thermodynamic stability) indicates that this missense variant is not expected to disrupt DIS3L2 protein function with a negative predictive value of 80%. In summary, the available evidence is currently insufficient to determine the role of this variant in disease. Therefore, it has been classified as a Variant of Uncertain Significance.

Fulgent Genetics
Classification: Uncertain significance for Perlman syndrome. Last evaluated: 2024-03-24. Review status: criteria provided, single submitter. Criteria: ACMG Guidelines, 2015. Collection method: clinical testing. Allele origin: germline.